The following is an entry in ClinVar:

NM_001036.6(RYR3):c.12325del (p.Asp4109fs)

Gene: RYR3 (ryanodine receptor 3; plus strand). Cytogenetic location: 15q14.
Variant type: Deletion.
Coding change: c.12325del on transcript NM_001036.6 (MANE Select); coding-DNA position 12325, one base deleted (G; older notation c.12325delG).
Protein change: p.Asp4109fs; shifts the reading frame from aspartic acid 4109.
Molecular consequence: frameshift variant.
Genome position (GRCh38, 1-based): chr15:33,838,305, G deleted. VCF-style (leftmost placement, unchanged base first): chr15-33838304-TG-T. GRCh37 (hg19) VCF-style: chr15-34130505-TG-T.
Other names: c.12310del, p.Asp4104fs (NM_001243996.4); short protein forms D4109fs, D4104fs.
Identifiers: ClinVar variation 930861 (VCV000930861.3), dbSNP rs2078161593, ClinGen allele CA1139663808.

ClinVar aggregate classification (germline): Uncertain significance (1 of 4 stars; one submission).

Submission:

Centre for Mendelian Genomics, University Medical Centre Ljubljana
Classification: Uncertain significance. Last evaluated: 2019-04-30. Review status: criteria provided, single submitter. Criteria: ACMG Guidelines, 2015. Collection method: clinical testing. Allele origin: unknown. Affected: yes.
Comment: This variant was classified as: Uncertain significance. The available evidence on this variant's pathogenicity is insufficient or conflicting. The following ACMG criteria were applied in classifying this variant: PM2.